The following is an entry in ClinVar:

ClinVar aggregate classification (germline): Uncertain significance (0 of 4 stars; one submission).

Conditions:
Metastatic Prostate Small Cell Carcinoma. Identifiers: MedGen C4763838.

Submission:

Rudy L. Ruggles Biomedical Research Institute, Danbury Hospital
Classification: Uncertain significance for Metastatic Prostate Small Cell Carcinoma. Last evaluated: 2020-04-15. Review status: no assertion criteria provided. Collection method: research. Allele origin: somatic. Inheritance: Somatic mutation. Affected: yes.

NM_000059.4(BRCA2):c.5428_5655del (p.Val1810_Cys1885del)

Gene: BRCA2 (BRCA2 DNA repair associated; plus strand). Cytogenetic location: 13q13.1.
Variant type: Deletion.
Coding change: c.5428_5655del on transcript NM_000059.4 (MANE Select); coding-DNA positions 5428 to 5655, 228 bases deleted.
Protein change: p.Val1810_Cys1885del.
Molecular consequence: inframe deletion.
Genome position (GRCh38, 1-based): chr13:32,339,783-32,340,010, 228 bases deleted. GRCh37 (hg19): chr13:32,913,920-32,914,147.
Identifiers: ClinVar variation 996001 (VCV000996001.3), dbSNP rs2072528988, ClinGen allele CA1139663219.